The following is an entry in ClinVar:

ClinVar aggregate classification (germline): Uncertain significance (1 of 4 stars; one submission).

Submission:

Labcorp Genetics (formerly Invitae), Labcorp
Classification: Uncertain significance. Last evaluated: 2024-06-29. Review status: criteria provided, single submitter. Criteria: Invitae Variant Classification Sherloc (09022015). Collection method: clinical testing. Allele origin: germline.
Comment: This sequence change replaces glutamine, which is neutral and polar, with histidine, which is basic and polar, at codon 242 of the DNAJC21 protein (p.Gln242His). This variant is not present in population databases (gnomAD no frequency). This variant has not been reported in the literature in individuals affected with DNAJC21-related conditions. An algorithm developed to predict the effect of missense changes on protein structure and function (PolyPhen-2) suggests that this variant is likely to be disruptive. In summary, the available evidence is currently insufficient to determine the role of this variant in disease. Therefore, it has been classified as a Variant of Uncertain Significance.

NM_001012339.3(DNAJC21):c.726G>T (p.Gln242His)

Gene: DNAJC21 (DnaJ heat shock protein family (Hsp40) member C21; plus strand). Cytogenetic location: 5p13.2.
Variant type: single nucleotide variant.
Coding change: c.726G>T on transcript NM_001012339.3 (MANE Select); coding-DNA position 726, G replaced by T.
Protein change: p.Gln242His; replaces glutamine 242 with histidine.
Molecular consequence: missense variant.
Genome position (GRCh38, 1-based): chr5:34,937,613, G>T. VCF-style: chr5-34937613-G-T. GRCh37 (hg19) VCF-style: chr5-34937718-G-T.
Other names: c.726G>T, p.Gln242His (NM_001348420.2, NM_194283.4); short protein forms Q242H.
Identifiers: ClinVar variation 3657494 (VCV003657494.2).
Genomic context (GRCh38, chr5:34,937,613, plus strand): 5'-ACTTGTGGAAGAACAGAATGCAGAGAAGGCGAGGAAAGCCGAAGAGATGAGGCGGCAGCA[G>T]AAGCTAAAGCAGGCCAAGTGCGTAGCGTGCGTGGGGCCCTCTTCTCAGTATCGGTGGGGG-3'
Protein context (NP_001012339.2, residues 232-252): ARKAEEMRRQ[Gln242His]KLKQAKLVEQ